The following is an entry in ClinVar:

ClinVar aggregate classification (germline): Uncertain significance (1 of 4 stars; one submission).

Conditions:
Hereditary cancer-predisposing syndrome. Also called: Hereditary neoplastic syndrome; Tumor predisposition; Hereditary Cancer Syndrome; Neoplastic Syndromes, Hereditary. Identifiers: Orphanet 140162, MedGen C0027672, MeSH D009386, MONDO:0015356.

Submission:

Ambry Genetics
Classification: Uncertain significance for Hereditary cancer-predisposing syndrome. Last evaluated: 2023-09-13. Review status: criteria provided, single submitter. Criteria: Ambry Variant Classification Scheme 2023. Collection method: clinical testing. Allele origin: germline.
Comment: The p.E1155D variant (also known as c.3465A>T), located in coding exon 15 of the APC gene, results from an A to T substitution at nucleotide position 3465. The glutamic acid at codon 1155 is replaced by aspartic acid, an amino acid with highly similar properties. This amino acid position is conserved. In addition, in silico predictors for this gene do not accurately predict pathogenicity. Since supporting evidence is limited at this time, the clinical significance of this alteration remains unclear.

NM_000038.6(APC):c.3465A>T (p.Glu1155Asp)

Gene: APC (APC regulator of Wnt signaling pathway; plus strand). Cytogenetic location: 5q22.2.
Variant type: single nucleotide variant.
Coding change: c.3465A>T on transcript NM_000038.6 (MANE Select); coding-DNA position 3465, A replaced by T.
Protein change: p.Glu1155Asp; replaces glutamic acid 1155 with aspartic acid.
Molecular consequence: missense variant. On other transcripts: non-coding transcript variant (2).
Genome position (GRCh38, 1-based): chr5:112,839,059, A>T. VCF-style: chr5-112839059-A-T. GRCh37 (hg19) VCF-style: chr5-112174756-A-T.
Other names: c.3465A>T, p.Glu1155Asp (NM_001127510.3, NM_001354895.2, NM_001407450.1); c.3411A>T, p.Glu1137Asp (NM_001127511.3); c.3519A>T, p.Glu1173Asp (NM_001354896.2, NM_001407447.1, NM_001407448.1 and 1 more transcripts); c.3495A>T, p.Glu1165Asp (NM_001354897.2); c.3390A>T, p.Glu1130Asp (NM_001354898.2); c.3381A>T, p.Glu1127Asp (NM_001354899.2); c.3342A>T, p.Glu1114Asp (NM_001354900.2); c.3288A>T, p.Glu1096Asp (NM_001354901.2, NM_001407453.1); and 11 more; short protein forms E1026D, E1054D, E1072D, E1130D, E1155D, E1165D, E1064D, E1096D.
Identifiers: ClinVar variation 2587050 (VCV002587050.2), dbSNP rs1554085027, ClinGen allele CA16028937.